The following is an entry in ClinVar:

ClinVar aggregate classification (germline): Uncertain significance. Review status: criteria provided, multiple submitters, no conflicts (2 of 4 stars). 3 submissions from 3 submitters: Uncertain significance (3). Last evaluated 2024-04-25.

Conditions:
Hajdu-Cheney syndrome (HJCYS). Also called: Acroosteolysis dominant type; ACROOSTEOLYSIS WITH OSTEOPOROSIS AND CHANGES IN SKULL AND MANDIBLE; SERPENTINE FIBULA-POLYCYSTIC KIDNEY SYNDROME. Identifiers: Orphanet 955, MedGen C0917715, MONDO:0007057, OMIM 102500.
Inborn genetic diseases. Identifiers: MedGen C0950123, MeSH D030342.

gnomAD v4.1: 11 of 1,614,066 alleles (0.00068%); highest among the groups gnomAD compares: East Asian, 0.025%; no homozygotes.

Submissions (3):

Labcorp Genetics (formerly Invitae), Labcorp
Classification: Uncertain significance for Hajdu-Cheney syndrome. Last evaluated: 2024-04-25. Review status: criteria provided, single submitter. Criteria: Invitae Variant Classification Sherloc (09022015). Collection method: clinical testing. Allele origin: germline.
Comment: This sequence change replaces leucine, which is neutral and non-polar, with valine, which is neutral and non-polar, at codon 744 of the NOTCH2 protein (p.Leu744Val). This variant is present in population databases (rs199507434, gnomAD 0.06%). This variant has not been reported in the literature in individuals affected with NOTCH2-related conditions. Advanced modeling of protein sequence and biophysical properties (such as structural, functional, and spatial information, amino acid conservation, physicochemical variation, residue mobility, and thermodynamic stability) performed at Invitae indicates that this missense variant is not expected to disrupt NOTCH2 protein function with a negative predictive value of 80%. In summary, the available evidence is currently insufficient to determine the role of this variant in disease. Therefore, it has been classified as a Variant of Uncertain Significance.

Ambry Genetics
Classification: Uncertain significance for Inborn genetic diseases. Last evaluated: 2024-04-01. Review status: criteria provided, single submitter. Criteria: Ambry Variant Classification Scheme 2023. Collection method: clinical testing. Allele origin: germline.

Mayo Clinic Laboratories, Mayo Clinic
Classification: Uncertain significance. Last evaluated: 2023-11-22. Review status: criteria provided, single submitter. Criteria: ACMG Guidelines, 2015. Collection method: clinical testing. Allele origin: germline. Observed: 2 variant alleles.
Comment: BP4, PP2

NM_024408.4(NOTCH2):c.2230C>G (p.Leu744Val)

Gene: NOTCH2 (notch receptor 2; minus strand). Cytogenetic location: 1p12.
Variant type: single nucleotide variant.
Coding change: c.2230C>G on transcript NM_024408.4 (MANE Select); coding-DNA position 2230, C replaced by G.
Protein change: p.Leu744Val; replaces leucine 744 with valine.
Molecular consequence: missense variant.
Genome position (GRCh38, 1-based): chr1:119,953,678, G>C on the plus strand (C>G on the coding strand, the complement: NOTCH2 is on the minus strand). VCF-style: chr1-119953678-G-C. GRCh37 (hg19) VCF-style: chr1-120496301-G-C.
Other names: p.Leu744Val; c.2230C>G, p.Leu744Val (NM_001200001.2); short protein forms L744V.
Identifiers: ClinVar variation 3300487 (VCV003300487.4).